The following is an entry in ClinVar:

ClinVar aggregate classification (germline): Uncertain significance. Review status: criteria provided, multiple submitters, no conflicts (2 of 4 stars). 2 submissions from 2 submitters: Uncertain significance (2). Last evaluated 2022-07-11.

Conditions:
Spastic paraplegia. Identifiers: MedGen C0037772, HP:0001258.
Hereditary spastic paraplegia 35. Also called: SPASTIC PARAPLEGIA 35, AUTOSOMAL RECESSIVE, WITH OR WITHOUT NEURODEGENERATION; LEUKODYSTROPHY, DYSMYELINATING, AND SPASTIC PARAPARESIS WITH OR WITHOUT DYSTONIA; Spastic paraplegia 35, autosomal recessive; Spastic paraplegia 35. Identifiers: Orphanet 171629, MedGen C3496228, MONDO:0012866, OMIM 612319.

Allele frequency attached by ClinVar (database versions not stated): gnomAD exomes 0.00001 and 0.00002; TOPMed 0.00001; ExAC 0.00002.
gnomAD v4.1: 5 of 1,613,836 alleles (0.00031%); highest among the groups gnomAD compares: Admixed American, 0.0033%; no homozygotes.

Submissions (2):

Labcorp Genetics (formerly Invitae), Labcorp
Classification: Uncertain significance for Spastic paraplegia. Last evaluated: 2022-07-11. Review status: criteria provided, single submitter. Criteria: Invitae Variant Classification Sherloc (09022015). Collection method: clinical testing. Allele origin: germline.
Comment: In summary, the available evidence is currently insufficient to determine the role of this variant in disease. Therefore, it has been classified as a Variant of Uncertain Significance. Algorithms developed to predict the effect of sequence changes on RNA splicing suggest that this variant may create or strengthen a splice site. Advanced modeling of protein sequence and biophysical properties (such as structural, functional, and spatial information, amino acid conservation, physicochemical variation, residue mobility, and thermodynamic stability) performed at Invitae indicates that this missense variant is expected to disrupt FA2H protein function. ClinVar contains an entry for this variant (Variation ID: 547856). This missense change has been observed in individual(s) with clinical features of FA2H related conditions (PMID: 31130284). This variant is present in population databases (rs774693133, gnomAD 0.006%). This sequence change replaces glycine, which is neutral and non-polar, with serine, which is neutral and polar, at codon 258 of the FA2H protein (p.Gly258Ser).

Mayo Clinic Laboratories, Mayo Clinic
Classification: Uncertain significance for Hereditary spastic paraplegia 35. Last evaluated: 2016-07-01. Review status: criteria provided, single submitter. Criteria: ACMG Guidelines, 2015. Collection method: clinical testing. Allele origin: paternal.

Literature cited by the submitters: PubMed 31130284 (cited by Labcorp Genetics (formerly Invitae), Labcorp).

NM_024306.5(FA2H):c.772G>A (p.Gly258Ser)

Gene: FA2H (fatty acid 2-hydroxylase; minus strand). Cytogenetic location: 16q23.1.
Variant type: single nucleotide variant.
Coding change: c.772G>A on transcript NM_024306.5 (MANE Select); coding-DNA position 772, G replaced by A.
Protein change: p.Gly258Ser; replaces glycine 258 with serine.
Molecular consequence: missense variant.
Genome position (GRCh38, 1-based): chr16:74,719,002, C>T on the plus strand (G>A on the coding strand, the complement: FA2H is on the minus strand). VCF-style: chr16-74719002-C-T. GRCh37 (hg19) VCF-style: chr16-74752900-C-T.
Other names: short protein forms G258S.
Identifiers: ClinVar variation 547856 (VCV000547856.11), dbSNP rs774693133, ClinGen allele CA8170415.
Genomic context (GRCh38, chr16:74,719,002, plus strand): 5'-TCGGGCTGCACATGCTAGGTCCGGGCTGGGACCCCGCCCCGCTCACCTTGTGGTGCTGGC[C>T]GTGCATGACGAAGTGCAGCATGATGAGGTAATAGCTGTCGCTGGGGGGCTTCATGTGGAA-3'
Protein context (NP_077282.3, residues 248-268): YLIMLHFVMH[Gly258Ser]QHHKAPFDGS